The following is an entry in ClinVar:

NM_025074.7(FRAS1):c.674G>A (p.Gly225Asp)

Gene: FRAS1 (Fraser extracellular matrix complex subunit 1; plus strand). Cytogenetic location: 4q21.21.
Variant type: single nucleotide variant.
Coding change: c.674G>A on transcript NM_025074.7 (MANE Select); coding-DNA position 674, G replaced by A.
Protein change: p.Gly225Asp; replaces glycine 225 with aspartic acid.
Molecular consequence: missense variant.
Genome position (GRCh38, 1-based): chr4:78,265,095, G>A. VCF-style: chr4-78265095-G-A. GRCh37 (hg19) VCF-style: chr4-79186249-G-A.
Other names: c.674G>A, p.Gly225Asp (NM_001166133.2); short protein forms G225D.
Identifiers: ClinVar variation 3517002 (VCV003517002.4).

ClinVar aggregate classification (germline): Uncertain significance. Review status: criteria provided, multiple submitters, no conflicts (2 of 4 stars). 3 submissions from 3 submitters: Uncertain significance (3). Last evaluated 2025-01-07.

Conditions:
Inborn genetic diseases. Identifiers: MedGen C0950123, MeSH D030342.
Fraser syndrome 1 (FRASRS1). Also called: CRYPTOPHTHALMOS WITH OTHER MALFORMATIONS. Identifiers: Orphanet 2052, MedGen C4551480, MONDO:0054737, OMIM 219000.

gnomAD v4.1: 19 of 1,611,756 alleles (0.0012%); highest among the groups gnomAD compares: African/African-American, 0.0093%; no homozygotes.

Submissions (3):

Women's Health and Genetics/Laboratory Corporation of America, LabCorp
Classification: Uncertain significance. Last evaluated: 2025-01-07. Review status: criteria provided, single submitter. Criteria: LabCorp Variant Classification Summary - May 2015. Collection method: clinical testing. Allele origin: germline.
Comment: Variant summary: FRAS1 c.674G>A (p.Gly225Asp) results in a non-conservative amino acid change located in the VWFC domain (IPR001007) of the encoded protein sequence. Three of five in-silico tools predict a damaging effect of the variant on protein function. The variant allele was found at a frequency of 1.6e-05 in 247730 control chromosomes. The available data on variant occurrences in the general population are insufficient to allow any conclusion about variant significance. To our knowledge, no occurrence of c.674G>A in individuals affected with FRAS1-related conditions and no experimental evidence demonstrating its impact on protein function have been reported. No submitters have cited clinical-significance assessments for this variant to ClinVar. Based on the evidence outlined above, the variant was classified as uncertain significance.

Ambry Genetics
Classification: Uncertain significance for Inborn genetic diseases. Last evaluated: 2024-08-12. Review status: criteria provided, single submitter. Criteria: Ambry Variant Classification Scheme 2023. Collection method: clinical testing. Allele origin: germline.

Fulgent Genetics
Classification: Uncertain significance for Fraser syndrome 1. Last evaluated: 2024-06-20. Review status: criteria provided, single submitter. Criteria: ACMG Guidelines, 2015. Collection method: clinical testing. Allele origin: germline.